The following is an entry in ClinVar:

ClinVar aggregate classification (germline): Pathogenic/Likely pathogenic. Review status: criteria provided, multiple submitters, no conflicts (2 of 4 stars). 2 submissions from 2 submitters: Pathogenic (1); Likely pathogenic (1). Last evaluated 2024-03-06.

Conditions:
Neurodevelopmental delay. Identifiers: MedGen C4022738, HP:0012758.
Inborn genetic diseases. Identifiers: MedGen C0950123, MeSH D030342.

gnomAD v4.1: 3 of 1,613,792 alleles (0.00019%); highest among the groups gnomAD compares: African/African-American, 0.0013%; no homozygotes.

Submissions (2):

Ambry Genetics
Classification: Pathogenic for Inborn genetic diseases. Last evaluated: 2024-03-06. Review status: criteria provided, single submitter. Criteria: Ambry Variant Classification Scheme 2023. Collection method: clinical testing. Allele origin: germline.
Comment: The c.2247G>A (p.W749*) alteration, located in exon 5 (coding exon 5) of the TNRC6B gene, consists of a G to A substitution at nucleotide position 2247. This changes the amino acid from a tryptophan (W) to a stop codon at amino acid position 749. This alteration is expected to result in loss of function by premature protein truncation or nonsense-mediated mRNA decay. This variant was not reported in population-based cohorts in the Genome Aggregation Database (gnomAD). Based on the available evidence, this alteration is classified as pathogenic.

Centre de Biologie Pathologie Génétique, Centre Hospitalier Universitaire de Lille
Classification: Likely pathogenic for Neurodevelopmental delay. Review status: criteria provided, single submitter. Criteria: ACMG Guidelines, 2015. Collection method: clinical testing. Allele origin: inherited. Affected: yes.

NM_001162501.2(TNRC6B):c.2247G>A (p.Trp749Ter)

Gene: TNRC6B (trinucleotide repeat containing adaptor 6B; plus strand). Cytogenetic location: 22q13.1.
Variant type: single nucleotide variant.
Coding change: c.2247G>A on transcript NM_001162501.2 (MANE Select); coding-DNA position 2247, G replaced by A.
Protein change: p.Trp749Ter; replaces tryptophan 749 with a stop codon.
Molecular consequence: nonsense. On other transcripts: intron variant (1).
Genome position (GRCh38, 1-based): chr22:40,266,477, G>A. VCF-style: chr22-40266477-G-A. GRCh37 (hg19) VCF-style: chr22-40662481-G-A.
Other names: c.2247G>A, p.Trp749Ter (NM_015088.3); c.566-3645G>A (NM_001024843.2); c.2247G>A (NM_001162501.1); short protein forms W749*.
Identifiers: ClinVar variation 1700134 (VCV001700134.2), dbSNP rs200598254, ClinGen allele CA411635062.
Genomic context (GRCh38, chr22:40,266,477, plus strand): 5'-TCAGGGGTGGGGAGGTGGACGCCAGCCCAATCAAGGATGGTCTTCTGGAAAGAATGGTTG[G>A]GGGGAGGAAGTCGATCAGACAAAAAACAGCAATTGGGAAAGTTCTGCAAGTAAACCTGTG-3'